The following is an entry in ClinVar:

ClinVar aggregate classification (germline): Uncertain significance (1 of 4 stars; one submission).

Allele frequency attached by ClinVar (database versions not stated): gnomAD exomes 0.00001; gnomAD 0.00002; TOPMed 0.00003.
gnomAD v4.1: 11 of 1,566,074 alleles (0.0007%); highest among the groups gnomAD compares: Non-Finnish European, 0.00087%; no homozygotes.

Submission:

Labcorp Genetics (formerly Invitae), Labcorp
Classification: Uncertain significance. Last evaluated: 2021-10-27. Review status: criteria provided, single submitter. Criteria: Invitae Variant Classification Sherloc (09022015). Collection method: clinical testing. Allele origin: germline.
Comment: This sequence change replaces arginine, a(n) basic and polar amino acid, with histidine, a(n) basic and polar amino acid, at codon 121 of the FREM2 protein (p.Arg121His). The frequency data for this variant in the population databases is considered unreliable, as metrics indicate poor data quality at this position in the gnomAD database. This variant has not been reported in the literature in individuals affected with FREM2-related conditions. Algorithms developed to predict the effect of missense changes on protein structure and function output the following: SIFT: "Tolerated"; PolyPhen-2: "Benign"; Align-GVGD: "Class C0". The histidine amino acid residue is found in multiple mammalian species, which suggests that this missense change does not adversely affect protein function. In summary, the available evidence is currently insufficient to determine the role of this variant in disease. Therefore, it has been classified as a Variant of Uncertain Significance.

NM_207361.6(FREM2):c.362G>A (p.Arg121His)

Gene: FREM2 (FRAS1 related extracellular matrix 2; plus strand). Cytogenetic location: 13q13.3.
Variant type: single nucleotide variant.
Coding change: c.362G>A on transcript NM_207361.6 (MANE Select); coding-DNA position 362, G replaced by A.
Protein change: p.Arg121His; replaces arginine 121 with histidine.
Molecular consequence: missense variant.
Genome position (GRCh38, 1-based): chr13:38,687,706, G>A. VCF-style: chr13-38687706-G-A. GRCh37 (hg19) VCF-style: chr13-39261843-G-A.
Other names: short protein forms R121H.
Identifiers: ClinVar variation 1355819 (VCV001355819.3), dbSNP rs1320388887, ClinGen allele CA387882073.